The following is an entry in ClinVar:

NM_001999.4(FBN2):c.101C>T (p.Pro34Leu)

Gene: FBN2 (fibrillin 2; minus strand). Cytogenetic location: 5q23.3.
Variant type: single nucleotide variant.
Coding change: c.101C>T on transcript NM_001999.4 (MANE Select); coding-DNA position 101, C replaced by T.
Protein change: p.Pro34Leu; replaces proline 34 with leucine.
Molecular consequence: missense variant.
Genome position (GRCh38, 1-based): chr5:128,537,503, G>A on the plus strand (C>T on the coding strand, the complement: FBN2 is on the minus strand). VCF-style: chr5-128537503-G-A. GRCh37 (hg19) VCF-style: chr5-127873196-G-A.
Other names: c.101C>T (NM_001999.3); short protein forms P34L.
Identifiers: ClinVar variation 1701484 (VCV001701484.33), dbSNP rs368006487, ClinGen allele CA3396225.

ClinVar aggregate classification (germline): Conflicting classifications of pathogenicity. Review status: criteria provided, conflicting classifications (1 of 4 stars). 3 submissions from 3 submitters: Uncertain significance (2); Likely benign (1). Last evaluated 2025-08-03.

Conditions:
Congenital contractural arachnodactyly (CCA). Also called: Beals-Hecht syndrome; Arthrogryposis, distal, type 9; BEALS SYNDROME. Identifiers: Orphanet 115, MedGen C0220668, MONDO:0007363, OMIM 121050.

Allele frequency attached by ClinVar (database versions not stated): gnomAD exomes 0.00001 and 0.00002; ESP Exome Variant Server 0.00008.

Submissions (3):

Labcorp Genetics (formerly Invitae), Labcorp
Classification: Likely benign for Congenital contractural arachnodactyly. Last evaluated: 2025-08-03. Review status: criteria provided, single submitter. Criteria: Invitae Variant Classification Sherloc (09022015). Collection method: clinical testing. Allele origin: germline.

GeneDx
Classification: Uncertain significance. Last evaluated: 2024-05-14. Review status: criteria provided, single submitter. Criteria: GeneDx Variant Classification Process June 2021. Collection method: clinical testing. Allele origin: germline. Affected: yes.
Comment: Not observed at significant frequency in large population cohorts (gnomAD); In silico analysis indicates that this missense variant does not alter protein structure/function; Has not been previously published as pathogenic or benign to our knowledge

CeGaT Center for Human Genetics Tuebingen
Classification: Uncertain significance. Last evaluated: 2019-07-01. Review status: criteria provided, single submitter. Criteria: CeGaT Center For Human Genetics Tuebingen Variant Classification Criteria Version 2. Collection method: clinical testing. Allele origin: germline. Affected: yes. Observed: 1 variant allele.